The following is an entry in ClinVar:

NM_018723.4(RBFOX1):c.1048C>T (p.Pro350Ser)

Genes: RBFOX1 (RNA binding fox-1 homolog 1; plus strand), LOC126862279 (MED14-independent group 3 enhancer GRCh37_chr16:7758954-7760153; plus strand). Cytogenetic location: 16p13.3.
Variant type: single nucleotide variant.
Coding change: c.1048C>T on transcript NM_018723.4 (MANE Select); coding-DNA position 1048, C replaced by T.
Protein change: p.Pro350Ser; replaces proline 350 with serine.
Molecular consequence: missense variant. On other transcripts: synonymous variant (18).
Genome position (GRCh38, 1-based): chr16:7,709,108, C>T. VCF-style: chr16-7709108-C-T. GRCh37 (hg19) VCF-style: chr16-7759110-C-T.
Other names: c.1230C>T, p.Pro410= (NM_001415895.1, NM_001411047.1); c.1108C>T, p.Pro370Ser (NM_001415896.1); c.1096C>T, p.Pro366Ser (NM_001415897.1); c.1209C>T, p.Pro403= (NM_001415898.1, NM_001415889.1); c.1123C>T, p.Pro375Ser (NM_001415899.1, NM_001415893.1); c.1075C>T, p.Pro359Ser (NM_001415900.1); c.1176C>T, p.Pro392= (NM_001415901.1, NM_001415890.1); c.1054C>T, p.Pro352Ser (NM_001415902.1); and 23 more; short protein forms P323S, P350S, P371S, P393S, P348S, P522S, P319S, P352S.
Identifiers: ClinVar variation 1715992 (VCV001715992.6), dbSNP rs2083432841, ClinGen allele CA394795589.
Genomic context (GRCh38, chr16:7,709,108, plus strand): 5'-CCTTTCAGTTACGGACGAGTTTATGCTGCCGACCCCTACCACCACGCACTTGCTCCAGCC[C>T]CCACCTACGGCGTTGGTGCCATGGTGAGTACAAGTTTCTCCTTGTCCTCACTTCCTCCTG-3'
Protein context (NP_061193.2, residues 340-360): DPYHHALAPA[Pro350Ser]TYGVGAMNAF

ClinVar aggregate classification (germline): Uncertain significance (1 of 4 stars; one submission).

Conditions:
Idiopathic generalized epilepsy. Also called: Generalised epilepsy; EIG. Identifiers: MedGen C0270850, MONDO:0005579, OMIM 600669.

gnomAD v4.1: 1 of 1,613,816 alleles (0.000062%); highest among the groups gnomAD compares: Non-Finnish European, 0.000085%; no homozygotes.

Submission:

Labcorp Genetics (formerly Invitae), Labcorp
Classification: Uncertain significance for Idiopathic generalized epilepsy. Last evaluated: 2023-01-08. Review status: criteria provided, single submitter. Criteria: Invitae Variant Classification Sherloc (09022015). Collection method: clinical testing. Allele origin: germline.
Comment: In summary, the available evidence is currently insufficient to determine the role of this variant in disease. Therefore, it has been classified as a Variant of Uncertain Significance. Algorithms developed to predict the effect of missense changes on protein structure and function (SIFT, PolyPhen-2, Align-GVGD) all suggest that this variant is likely to be tolerated. ClinVar contains an entry for this variant (Variation ID: 1715992). This variant has not been reported in the literature in individuals affected with RBFOX1-related conditions. This variant is not present in population databases (gnomAD no frequency). This sequence change replaces proline, which is neutral and non-polar, with serine, which is neutral and polar, at codon 371 of the RBFOX1 protein (p.Pro371Ser).